The following is an entry in ClinVar:

NM_002528.7(NTHL1):c.199A>T (p.Lys67Ter)

Gene: NTHL1 (nth like DNA glycosylase 1; minus strand). Cytogenetic location: 16p13.3.
Variant type: single nucleotide variant.
Coding change: c.199A>T on transcript NM_002528.7 (MANE Select); coding-DNA position 199, A replaced by T.
Protein change: p.Lys67Ter; replaces lysine 67 with a stop codon.
Molecular consequence: nonsense. On other transcripts: missense variant (1).
Genome position (GRCh38, 1-based): chr16:2,046,283, T>A on the plus strand (A>T on the coding strand, the complement: NTHL1 is on the minus strand). VCF-style: chr16-2046283-T-A. GRCh37 (hg19) VCF-style: chr16-2096284-T-A.
Other names: c.199A>T, p.Lys67Ter (NM_001318193.2); c.21A>T, p.Arg7Ser (NM_001318194.2); short protein forms K67*, R7S.
Identifiers: ClinVar variation 2431314 (VCV002431314.2), dbSNP rs2548320872, ClinGen allele CA394297617.

ClinVar aggregate classification (germline): Pathogenic/Likely pathogenic. Review status: criteria provided, multiple submitters, no conflicts (2 of 4 stars). 2 submissions from 2 submitters: Pathogenic (1); Likely pathogenic (1). Last evaluated 2023-01-19.

Conditions:
Familial adenomatous polyposis 3. Also called: NTHL1-related attenuated familial adenomatous polyposis; NTHL1-Related Adenomatous Polyposis and Colorectal Cancer; NTHL1-associated polyposis; NTHL1 Tumor Syndrome. Identifiers: Orphanet 220460, Orphanet 454840, MedGen C4225157, MONDO:0014630, OMIM 616415.

Submissions (2):

Myriad Genetics, Inc.
Classification: Pathogenic for Familial adenomatous polyposis 3. Last evaluated: 2023-01-19. Review status: criteria provided, single submitter. Criteria: Myriad Autosomal Dominant, Autosomal Recessive and X-Linked Classification Criteria (2023). Collection method: clinical testing. Allele origin: unknown.
Comment: This variant is considered pathogenic. This variant creates a termination codon and is predicted to result in premature protein truncation.

Baylor Genetics
Classification: Likely pathogenic for Familial adenomatous polyposis 3. Last evaluated: 2021-09-24. Review status: criteria provided, single submitter. Criteria: ACMG Guidelines, 2015. Collection method: clinical testing. Allele origin: unknown.